The following is an entry in ClinVar:

NM_181872.6(DMRT2):c.372G>T (p.Ala124=)

Gene: DMRT2 (doublesex and mab-3 related transcription factor 2; plus strand). Cytogenetic location: 9p24.3.
Variant type: single nucleotide variant.
Coding change: c.372G>T on transcript NM_181872.6 (MANE Select); coding-DNA position 372, G replaced by T.
Protein change: p.Ala124=; no amino-acid change (alanine 124 retained).
Molecular consequence: synonymous variant. On other transcripts: 5 prime UTR variant (1), non-coding transcript variant (1).
Genome position (GRCh38, 1-based): chr9:1,051,985, G>T. VCF-style: chr9-1051985-G-T. GRCh37 (hg19) VCF-style: chr9-1051985-G-T.
Other names: c.372G>T (NM_006557.6); c.372G>T, p.Ala124= (NM_001130865.3, NM_001370531.1, NM_001370533.1 and 4 more transcripts); c.-279G>T (NM_001370532.1).
Identifiers: ClinVar variation 1596665 (VCV001596665.10), dbSNP rs571896886, ClinGen allele CA187867403.

ClinVar aggregate classification (germline): Likely benign. Review status: criteria provided, single submitter (1 of 4 stars). 2 submissions from 2 submitters: Likely benign (1). 1 of the submissions does not count toward it. Last evaluated 2025-12-10.

Conditions:
DMRT2-related disorder. Also called: DMRT2-related condition.

Allele frequency attached by ClinVar (database versions not stated): gnomAD exomes 0.00016.

Submissions (2):

Labcorp Genetics (formerly Invitae), Labcorp
Classification: Likely benign. Last evaluated: 2025-12-10. Review status: criteria provided, single submitter. Criteria: Invitae Variant Classification Sherloc (09022015). Collection method: clinical testing. Allele origin: germline.

PreventionGenetics, part of Exact Sciences
Classification: Likely benign for DMRT2-related condition. Last evaluated: 2019-09-10. Review status: no assertion criteria provided. Collection method: clinical testing. Allele origin: germline. Not counted in ClinVar's aggregate classification.
Comment: This variant is classified as likely benign based on ACMG/AMP sequence variant interpretation guidelines (Richards et al. 2015 PMID: 25741868, with internal and published modifications).